The following is an entry in ClinVar:

NM_002661.5(PLCG2):c.3707G>T (p.Ser1236Ile)

Gene: PLCG2 (phospholipase C gamma 2; plus strand). Cytogenetic location: 16q23.3.
Variant type: single nucleotide variant.
Coding change: c.3707G>T on transcript NM_002661.5 (MANE Select); coding-DNA position 3707, G replaced by T.
Protein change: p.Ser1236Ile; replaces serine 1236 with isoleucine.
Molecular consequence: missense variant.
Genome position (GRCh38, 1-based): chr16:81,956,831, G>T. VCF-style: chr16-81956831-G-T. GRCh37 (hg19) VCF-style: chr16-81990436-G-T.
Other names: c.3707G>T, p.Ser1236Ile (NM_001425749.1, NM_001425750.1, NM_001425751.1); short protein forms S1236I.
Identifiers: ClinVar variation 3724280 (VCV003724280.2).

ClinVar aggregate classification (germline): Uncertain significance (1 of 4 stars; one submission).

Conditions:
Familial cold autoinflammatory syndrome 3 (FCAS3). Also called: FAMILIAL ATYPICAL COLD URTICARIA; ANTIBODY DEFICIENCY AND IMMUNE DYSREGULATION, PLCG2-ASSOCIATED. Identifiers: Orphanet 300359, MedGen C3280914, MONDO:0013766, OMIM 614468.

gnomAD v4.1: 1 of 1,614,180 alleles (0.000062%); highest among the groups gnomAD compares: Non-Finnish European, 0.000085%; no homozygotes.

Submission:

Labcorp Genetics (formerly Invitae), Labcorp
Classification: Uncertain significance for Familial cold autoinflammatory syndrome 3. Last evaluated: 2024-11-27. Review status: criteria provided, single submitter. Criteria: Invitae Variant Classification Sherloc (09022015). Collection method: clinical testing. Allele origin: germline.
Comment: This sequence change replaces serine, which is neutral and polar, with isoleucine, which is neutral and non-polar, at codon 1236 of the PLCG2 protein (p.Ser1236Ile). This variant is not present in population databases (gnomAD no frequency). This variant has not been reported in the literature in individuals affected with PLCG2-related conditions. An algorithm developed to predict the effect of missense changes on protein structure and function (PolyPhen-2) suggests that this variant is likely to be tolerated. In summary, the available evidence is currently insufficient to determine the role of this variant in disease. Therefore, it has been classified as a Variant of Uncertain Significance.